The following is an entry in ClinVar:

ClinVar aggregate classification (germline): Uncertain significance (1 of 4 stars; one submission).

Conditions:
Nemaline myopathy 2 (NEM2). Also called: Nemaline myopathy 2, autosomal recessive. Identifiers: MedGen C1850569, MONDO:0009725, OMIM 256030.

Allele frequency attached by ClinVar (database versions not stated): ExAC 0.00001; ESP Exome Variant Server 0.00008.
gnomAD v4.1: 1 of 1,563,664 alleles (0.000064%); highest among the groups gnomAD compares: Non-Finnish European, 0.000087%; no homozygotes.

Submission:

Labcorp Genetics (formerly Invitae), Labcorp
Classification: Uncertain significance for Nemaline myopathy 2. Last evaluated: 2022-09-08. Review status: criteria provided, single submitter. Criteria: Invitae Variant Classification Sherloc (09022015). Collection method: clinical testing. Allele origin: germline.
Comment: This sequence change replaces threonine, which is neutral and polar, with serine, which is neutral and polar, at codon 2238 of the NEB protein (p.Thr2238Ser). This variant is present in population databases (rs368244387, gnomAD 0.0009%). This variant has not been reported in the literature in individuals affected with NEB-related conditions. Algorithms developed to predict the effect of missense changes on protein structure and function are either unavailable or do not agree on the potential impact of this missense change (SIFT: "Tolerated"; PolyPhen-2: "Not Available"; Align-GVGD: "Class C0"). In summary, the available evidence is currently insufficient to determine the role of this variant in disease. Therefore, it has been classified as a Variant of Uncertain Significance.

NM_001164508.2(NEB):c.6713C>G (p.Thr2238Ser)

Gene: NEB (nebulin; minus strand). Cytogenetic location: 2q23.3.
Variant type: single nucleotide variant.
Coding change: c.6713C>G on transcript NM_001164508.2 (MANE Select); coding-DNA position 6713, C replaced by G.
Protein change: p.Thr2238Ser; replaces threonine 2238 with serine.
Molecular consequence: missense variant.
Genome position (GRCh38, 1-based): chr2:151,655,364, G>C on the plus strand (C>G on the coding strand, the complement: NEB is on the minus strand). VCF-style: chr2-151655364-G-C. GRCh37 (hg19) VCF-style: chr2-152511878-G-C.
Other names: c.6713C>G, p.Thr2238Ser (NM_001164507.2, NM_001271208.2, NM_004543.5); short protein forms T2238S.
Identifiers: ClinVar variation 2149968 (VCV002149968.1), dbSNP rs368244387, ClinGen allele CA1910020.
Genomic context (GRCh38, chr2:151,655,364, plus strand): 5'-AAAATATCTGGTGTATCAGGCATCACATGAATCTTGGTCTTATCTTTATTCCAATCAATG[G>C]TGTATAAATGCTAGGAAGTGGGAAAAAAAGACATGAAATTTGAATAACTGGGACAAGCAG-3'
Protein context (NP_001157980.2, residues 2228-2248): NAHTMNKHLY[Thr2238Ser]IDWNKDKTKI